The following is an entry in ClinVar:

NM_000548.5(TSC2):c.1642A>G (p.Arg548Gly)

Gene: TSC2 (TSC complex subunit 2; plus strand). Cytogenetic location: 16p13.3.
Variant type: single nucleotide variant.
Coding change: c.1642A>G on transcript NM_000548.5 (MANE Select); coding-DNA position 1642, A replaced by G.
Protein change: p.Arg548Gly; replaces arginine 548 with glycine.
Molecular consequence: missense variant.
Genome position (GRCh38, 1-based): chr16:2,065,561, A>G. VCF-style: chr16-2065561-A-G. GRCh37 (hg19) VCF-style: chr16-2115562-A-G.
Other names: c.1642A>G, p.Arg548Gly (NM_001077183.3, NM_001114382.3, NM_001363528.2 and 3 more transcripts); c.1531A>G, p.Arg511Gly (NM_001318827.2); c.1495A>G, p.Arg499Gly (NM_001318829.2); c.1042A>G, p.Arg348Gly (NM_001318831.2); c.1675A>G, p.Arg559Gly (NM_001318832.2); c.1642A>G (NM_000548.3); short protein forms R511G, R548G, R559G, R348G, R499G.
Identifiers: ClinVar variation 1381112 (VCV001381112.8), dbSNP rs565375272, ClinGen allele CA394267890.
Genomic context (GRCh38, chr16:2,065,561, plus strand): 5'-CTGGCCTTCTCTTCAAAGGTGATGGCCCGCTCCCTCTCCCCACCCCCGGAGCTGGAAGAA[A>G]GGGATGTGGCCGCATACTCGGCCTCCTTGGAGGATGTGAAGACAGCCGTCCTGGGGCTTC-3'
Protein context (NP_000539.2, residues 538-558): SLSPPPELEE[Arg548Gly]DVAAYSASLE

ClinVar aggregate classification (germline): Uncertain significance. Review status: criteria provided, multiple submitters, no conflicts (2 of 4 stars). 3 submissions from 3 submitters: Uncertain significance (3). Last evaluated 2026-08-05.

Conditions:
Hereditary cancer-predisposing syndrome. Also called: Hereditary Cancer Syndrome; Neoplastic Syndromes, Hereditary; Hereditary neoplastic syndrome; Tumor predisposition. Identifiers: Orphanet 140162, MedGen C0027672, MeSH D009386, MONDO:0015356.
Tuberous sclerosis 2 (TSC2). Identifiers: Orphanet 805, MedGen C1860707, MONDO:0013199, OMIM 613254.

gnomAD v4.1: 1 of 1,613,796 alleles (0.000062%); highest among the groups gnomAD compares: Non-Finnish European, 0.000085%; no homozygotes.

Submissions (3):

Ambry Genetics
Classification: Uncertain significance for Hereditary cancer-predisposing syndrome. Last evaluated: 2026-08-05. Review status: criteria provided, single submitter. Criteria: Ambry Variant Classification Scheme 2023. Collection method: clinical testing. Allele origin: germline.
Comment: The p.R548G variant (also known as c.1642A>G), located in coding exon 15 of the TSC2 gene, results from an A to G substitution at nucleotide position 1642. The arginine at codon 548 is replaced by glycine, an amino acid with dissimilar properties. This amino acid position is well conserved in available vertebrate species. In addition, the in silico prediction for this alteration is inconclusive. Based on the available evidence, the clinical significance of this variant remains unclear.

Labcorp Genetics (formerly Invitae), Labcorp
Classification: Uncertain significance for Tuberous sclerosis 2. Last evaluated: 2025-05-21. Review status: criteria provided, single submitter. Criteria: Invitae Variant Classification Sherloc (09022015). Collection method: clinical testing. Allele origin: germline.
Comment: This sequence change replaces arginine, which is basic and polar, with glycine, which is neutral and non-polar, at codon 548 of the TSC2 protein (p.Arg548Gly). This variant is not present in population databases (gnomAD no frequency). This variant has not been reported in the literature in individuals affected with TSC2-related conditions. ClinVar contains an entry for this variant (Variation ID: 1381112). Invitae Evidence Modeling of protein sequence and biophysical properties (such as structural, functional, and spatial information, amino acid conservation, physicochemical variation, residue mobility, and thermodynamic stability) indicates that this missense variant is not expected to disrupt TSC2 protein function with a negative predictive value of 95%. In summary, the available evidence is currently insufficient to determine the role of this variant in disease. Therefore, it has been classified as a Variant of Uncertain Significance.

GeneDx
Classification: Uncertain significance. Last evaluated: 2023-10-10. Review status: criteria provided, single submitter. Criteria: GeneDx Variant Classification Process June 2021. Collection method: clinical testing. Allele origin: germline. Affected: yes.
Comment: Not observed at significant frequency in large population cohorts (gnomAD); In silico analysis supports that this missense variant does not alter protein structure/function; Has not been previously published as pathogenic or benign to our knowledge